The following is an entry in ClinVar:

NM_014363.6(SACS):c.8819C>T (p.Thr2940Ile)

Gene: SACS (sacsin molecular chaperone; minus strand). Cytogenetic location: 13q12.12.
Variant type: single nucleotide variant.
Coding change: c.8819C>T on transcript NM_014363.6 (MANE Select); coding-DNA position 8819, C replaced by T.
Protein change: p.Thr2940Ile; replaces threonine 2940 with isoleucine.
Molecular consequence: missense variant.
Genome position (GRCh38, 1-based): chr13:23,335,057, G>A on the plus strand (C>T on the coding strand, the complement: SACS is on the minus strand). VCF-style: chr13-23335057-G-A. GRCh37 (hg19) VCF-style: chr13-23909196-G-A.
Other names: c.8378C>T, p.Thr2793Ile (NM_001278055.2); c.8819C>T (NM_014363.4); short protein forms T2793I, T2940I.
Identifiers: ClinVar variation 2169843 (VCV002169843.5), dbSNP rs1326604025, ClinGen allele CA387515794.

ClinVar aggregate classification (germline): Conflicting classifications of pathogenicity. Review status: criteria provided, conflicting classifications (1 of 4 stars). 2 submissions from 2 submitters: Uncertain significance (1); Likely benign (1). Last evaluated 2023-06-12.

Conditions:
Spastic paraplegia. Identifiers: MedGen C0037772, HP:0001258.

Allele frequency attached by ClinVar (database versions not stated): TOPMed below 0.00001; gnomAD exomes 0.00002.
gnomAD v4.1: 26 of 1,613,242 alleles (0.0016%); highest among the groups gnomAD compares: Non-Finnish European, 0.002%; no homozygotes.

Submissions (2):

Labcorp Genetics (formerly Invitae), Labcorp
Classification: Likely benign for Spastic paraplegia. Last evaluated: 2023-06-12. Review status: criteria provided, single submitter. Criteria: Invitae Variant Classification Sherloc (09022015). Collection method: clinical testing. Allele origin: germline.

Athena Diagnostics
Classification: Uncertain significance. Last evaluated: 2023-04-13. Review status: criteria provided, single submitter. Criteria: Athena Diagnostics Criteria. Collection method: clinical testing. Allele origin: unknown.
Comment: Available data are insufficient to determine the clinical significance of the variant at this time. The frequency of this variant in the general population is uninformative in assessment of its pathogenicity. Computational tools predict that this variant is damaging.